The following is an entry in ClinVar:

NM_006080.3(SEMA3A):c.454G>A (p.Asp152Asn)

Gene: SEMA3A (semaphorin 3A; minus strand). Cytogenetic location: 7q21.11.
Variant type: single nucleotide variant.
Coding change: c.454G>A on transcript NM_006080.3 (MANE Select); coding-DNA position 454, G replaced by A.
Protein change: p.Asp152Asn; replaces aspartic acid 152 with asparagine.
Molecular consequence: missense variant.
Genome position (GRCh38, 1-based): chr7:84,060,558, C>T on the plus strand (G>A on the coding strand, the complement: SEMA3A is on the minus strand). VCF-style: chr7-84060558-C-T. GRCh37 (hg19) VCF-style: chr7-83689874-C-T.
Other names: short protein forms D152N.
Identifiers: ClinVar variation 3348528 (VCV003348528.1).

ClinVar aggregate classification (germline): Uncertain significance (0 of 4 stars; one submission).

Conditions:
SEMA3A-related disorder. Also called: SEMA3A-related condition.

gnomAD v4.1: 3 of 1,553,034 alleles (0.00019%); highest among the groups gnomAD compares: Non-Finnish European, 0.00026%; no homozygotes.

Submission:

PreventionGenetics, part of Exact Sciences
Classification: Uncertain significance for SEMA3A-related condition. Last evaluated: 2024-01-29. Review status: no assertion criteria provided. Collection method: clinical testing. Allele origin: germline.
Comment: The SEMA3A c.454G>A variant is predicted to result in the amino acid substitution p.Asp152Asn. To our knowledge, this variant has not been reported in the literature or in a large population database, indicating this variant is rare. At this time, the clinical significance of this variant is uncertain due to the absence of conclusive functional and genetic evidence.